The following is an entry in ClinVar:

NM_030787.4(CFHR5):c.1092A>T (p.Arg364Ser)

Gene: CFHR5 (complement factor H related 5; plus strand). Cytogenetic location: 1q31.3.
Variant type: single nucleotide variant.
Coding change: c.1092A>T on transcript NM_030787.4 (MANE Select); coding-DNA position 1092, A replaced by T.
Protein change: p.Arg364Ser; replaces arginine 364 with serine.
Molecular consequence: missense variant.
Genome position (GRCh38, 1-based): chr1:196,998,249, A>T. VCF-style: chr1-196998249-A-T. GRCh37 (hg19) VCF-style: chr1-196967379-A-T.
Other names: short protein forms R364S.
Identifiers: ClinVar variation 2974404 (VCV002974404.4), dbSNP rs763907002, ClinGen allele CA1307953.

ClinVar aggregate classification (germline): Uncertain significance. Review status: criteria provided, multiple submitters, no conflicts (2 of 4 stars). 2 submissions from 2 submitters: Uncertain significance (2). Last evaluated 2025-03-24.

Conditions:
Inborn genetic diseases. Identifiers: MedGen C0950123, MeSH D030342.

Allele frequency attached by ClinVar (database versions not stated): TOPMed 0.00002; ExAC 0.00003; gnomAD 0.00003.
gnomAD v4.1: 12 of 1,611,186 alleles (0.00074%); highest among the groups gnomAD compares: Non-Finnish European, 0.00093%; no homozygotes.

Submissions (2):

Ambry Genetics
Classification: Uncertain significance for Inborn genetic diseases. Last evaluated: 2025-03-24. Review status: criteria provided, single submitter. Criteria: Ambry Variant Classification Scheme 2023. Collection method: clinical testing. Allele origin: germline.

Labcorp Genetics (formerly Invitae), Labcorp
Classification: Uncertain significance. Last evaluated: 2023-08-01. Review status: criteria provided, single submitter. Criteria: Invitae Variant Classification Sherloc (09022015). Collection method: clinical testing. Allele origin: germline.
Comment: In summary, the available evidence is currently insufficient to determine the role of this variant in disease. Therefore, it has been classified as a Variant of Uncertain Significance. Advanced modeling of protein sequence and biophysical properties (such as structural, functional, and spatial information, amino acid conservation, physicochemical variation, residue mobility, and thermodynamic stability) performed at Invitae indicates that this missense variant is not expected to disrupt CFHR5 protein function. This variant has not been reported in the literature in individuals affected with CFHR5-related conditions. This variant is present in population databases (rs763907002, gnomAD 0.003%). This sequence change replaces arginine, which is basic and polar, with serine, which is neutral and polar, at codon 364 of the CFHR5 protein (p.Arg364Ser).